The following is an entry in ClinVar:

NM_018275.5(TRAPPC14):c.1670A>C (p.Asp557Ala)

Gene: TRAPPC14 (trafficking protein particle complex subunit 14; minus strand). Cytogenetic location: 7q22.1.
Variant type: single nucleotide variant.
Coding change: c.1670A>C on transcript NM_018275.5 (MANE Select); coding-DNA position 1670, A replaced by C.
Protein change: p.Asp557Ala; replaces aspartic acid 557 with alanine.
Molecular consequence: missense variant.
Genome position (GRCh38, 1-based): chr7:100,155,084, T>G on the plus strand (A>C on the coding strand, the complement: TRAPPC14 is on the minus strand). VCF-style: chr7-100155084-T-G. GRCh37 (hg19) VCF-style: chr7-99752707-T-G.
Other names: c.863A>C, p.Asp288Ala (NM_001303470.2); short protein forms D288A, D557A.
Identifiers: ClinVar variation 1030643 (VCV001030643.1), dbSNP rs774828478, ClinGen allele CA4376593.

ClinVar aggregate classification (germline): Uncertain significance (1 of 4 stars; one submission).

Conditions:
Microcephaly 25, primary, autosomal recessive. Identifiers: MedGen C5193046, MONDO:0032694, OMIM 618351.

Allele frequency attached by ClinVar (database versions not stated): ExAC 0.00002; gnomAD 0.00003; TOPMed 0.00003; gnomAD exomes 0.00004 and 0.00021.

Submission:

Baylor Genetics
Classification: Uncertain significance for Microcephaly 25, primary, autosomal recessive. Last evaluated: 2019-09-30. Review status: criteria provided, single submitter. Criteria: ACMG Guidelines, 2015. Collection method: clinical testing. Allele origin: unknown. Affected: yes.
Comment: This variant was determined to be of uncertain significance according to ACMG Guidelines, 2015 [PMID:25741868].